The following is an entry in ClinVar:

ClinVar aggregate classification (germline): Likely pathogenic. Review status: criteria provided, multiple submitters, no conflicts (2 of 4 stars). 2 submissions from 2 submitters: Likely pathogenic (2). Last evaluated 2025-06-14.

Conditions:
Fatal mitochondrial disease due to combined oxidative phosphorylation defect type 3. Also called: Combined oxidative phosphorylation deficiency 3; ENCEPHALOMYOPATHY, RESPIRATORY FAILURE, AND LACTIC ACIDOSIS. Identifiers: Orphanet 168566, MedGen C1864840, MONDO:0012512, OMIM 610505.

Submissions (2):

Natera, Inc.
Classification: Likely pathogenic for Combined oxidative phosphorylation deficiency 3. Last evaluated: 2025-06-14. Review status: criteria provided, single submitter. Criteria: Natera Variant Classification Schema (03/2026). Collection method: clinical testing. Allele origin: germline.
Comment: The c.859dup variant in TSFM is a frameshift variant predicted to shift the reading frame beginning at codon 287 and leads to a stop codon 9 codons downstream. This variant is expected to result in nonsense mediated decay, truncation, or a dysfunctional protein product. This variant is rare in the general population with a frequency below the threshold expected for the associated phenotype(s). Given the available evidence, this variant is classified as Likely Pathogenic.

Baylor Genetics
Classification: Likely pathogenic for Fatal mitochondrial disease due to combined oxidative phosphorylation defect type 3. Last evaluated: 2024-01-17. Review status: criteria provided, single submitter. Criteria: ACMG Guidelines, 2015. Collection method: clinical testing. Allele origin: unknown.

NM_005726.6(TSFM):c.796dup (p.Leu266fs)

Gene: TSFM (Ts translation elongation factor, mitochondrial; plus strand). Cytogenetic location: 12q14.1.
Variant type: Duplication.
Coding change: c.796dup on transcript NM_005726.6 (MANE Select); coding-DNA position 796, one base duplicated (C; older notation c.796dupC).
Protein change: p.Leu266fs; shifts the reading frame from leucine 266.
Molecular consequence: frameshift variant. On other transcripts: 3 prime UTR variant (1), intron variant (1).
Genome position (GRCh38, 1-based): chr12:57,796,401, C duplicated; the last of 6 consecutive C bases (chr12:57,796,396-57,796,401); duplicating any one gives the same sequence. VCF-style (leftmost placement, unchanged base first): chr12-57796395-G-GC. GRCh37 (hg19) VCF-style: chr12-58190178-G-GC.
Other names: c.*204dup (NM_001172695.2); c.859dup, p.Leu287fs (NM_001172696.2); c.571+3328dup (NM_001172697.2); c.859dup (NM_001172696.1); short protein forms L266fs, L287fs.
Identifiers: ClinVar variation 2679365 (VCV002679365.3), dbSNP rs1399931138, ClinGen allele CA605706955.